The following is an entry in ClinVar:

NM_031935.3(HMCN1):c.12115C>G (p.Pro4039Ala)

Gene: HMCN1 (hemicentin 1; plus strand). Cytogenetic location: 1q31.1.
Variant type: single nucleotide variant.
Coding change: c.12115C>G on transcript NM_031935.3 (MANE Select); coding-DNA position 12115, C replaced by G.
Protein change: p.Pro4039Ala; replaces proline 4039 with alanine.
Molecular consequence: missense variant.
Genome position (GRCh38, 1-based): chr1:186,120,031, C>G. VCF-style: chr1-186120031-C-G. GRCh37 (hg19) VCF-style: chr1-186089163-C-G.
Other names: short protein forms P4039A.
Identifiers: ClinVar variation 1950928 (VCV001950928.5), dbSNP rs2102488057, ClinGen allele CA343948962.

ClinVar aggregate classification (germline): Uncertain significance (1 of 4 stars; one submission).

gnomAD v4.1: 1 of 1,614,014 alleles (0.000062%); highest among the groups gnomAD compares: African/African-American, 0.0013%; no homozygotes.

Submission:

Labcorp Genetics (formerly Invitae), Labcorp
Classification: Uncertain significance. Last evaluated: 2022-06-19. Review status: criteria provided, single submitter. Criteria: Invitae Variant Classification Sherloc (09022015). Collection method: clinical testing. Allele origin: germline.
Comment: This sequence change replaces proline, which is neutral and non-polar, with alanine, which is neutral and non-polar, at codon 4039 of the HMCN1 protein (p.Pro4039Ala). This variant is not present in population databases (gnomAD no frequency). This variant has not been reported in the literature in individuals affected with HMCN1-related conditions. Algorithms developed to predict the effect of missense changes on protein structure and function (SIFT, PolyPhen-2, Align-GVGD) all suggest that this variant is likely to be tolerated. In summary, the available evidence is currently insufficient to determine the role of this variant in disease. Therefore, it has been classified as a Variant of Uncertain Significance.